The following is an entry in ClinVar:

ClinVar aggregate classification (germline): Uncertain significance (1 of 4 stars; one submission).

Submission:

Labcorp Genetics (formerly Invitae), Labcorp
Classification: Uncertain significance. Last evaluated: 2023-08-04. Review status: criteria provided, single submitter. Criteria: Invitae Variant Classification Sherloc (09022015). Collection method: clinical testing. Allele origin: germline.
Comment: ClinVar contains an entry for this variant (Variation ID: 2123939). An algorithm developed to predict the effect of missense changes on protein structure and function (PolyPhen-2) suggests that this variant is likely to be disruptive. In summary, the available evidence is currently insufficient to determine the role of this variant in disease. Therefore, it has been classified as a Variant of Uncertain Significance. This sequence change replaces serine, which is neutral and polar, with isoleucine, which is neutral and non-polar, at codon 486 of the CHUK protein (p.Ser486Ile). This variant is not present in population databases (gnomAD no frequency). This variant has not been reported in the literature in individuals affected with CHUK-related conditions.

NM_001278.5(CHUK):c.1457G>T (p.Ser486Ile)

Gene: CHUK (component of inhibitor of nuclear factor kappa B kinase complex; minus strand). Cytogenetic location: 10q24.31.
Variant type: single nucleotide variant.
Coding change: c.1457G>T on transcript NM_001278.5 (MANE Select); coding-DNA position 1457, G replaced by T.
Protein change: p.Ser486Ile; replaces serine 486 with isoleucine.
Molecular consequence: missense variant.
Genome position (GRCh38, 1-based): chr10:100,204,556, C>A on the plus strand (G>T on the coding strand, the complement: CHUK is on the minus strand). VCF-style: chr10-100204556-C-A. GRCh37 (hg19) VCF-style: chr10-101964313-C-A.
Other names: c.1457G>T, p.Ser486Ile (NM_001320928.2); short protein forms S486I.
Identifiers: ClinVar variation 2123939 (VCV002123939.4), dbSNP rs2493043019, ClinGen allele CA378151097.